The following is an entry in ClinVar:

ClinVar aggregate classification (germline): Uncertain significance. Review status: criteria provided, multiple submitters, no conflicts (2 of 4 stars). 3 submissions from 3 submitters: Uncertain significance (3). Last evaluated 2025-06-24.

Conditions:
Atrioventricular septal defect 5 (AVSD5). Identifiers: MedGen C3280939, MONDO:0013769, OMIM 614474.
Tetralogy of Fallot (TOF). Identifiers: Orphanet 3303, MedGen C0039685, MONDO:0008542, OMIM 187500, HP:0001636.
Conotruncal heart malformations (CTHM). Also called: Conotruncal heart malformations, variable. Identifiers: Orphanet 2445, Orphanet 3384, Orphanet 3426, MedGen C1857586, MONDO:0016581, OMIM 217095.
Heart defects, congenital, and other congenital anomalies. Also called: PANCREATIC HYPOPLASIA, CONGENITAL, WITH DIABETES MELLITUS AND CONGENITAL HEART DISEASE; Pancreatic hypoplasia-diabetes-congenital heart disease syndrome. Identifiers: Orphanet 2255, MedGen C2931296, MONDO:0010802, OMIM 600001.
Atrial septal defect 9 (ASD9). Identifiers: Orphanet 1478, MedGen C3280943, MONDO:0013770, OMIM 614475.

Allele frequency attached by ClinVar (database versions not stated): TOPMed 0.00003; ExAC 0.00016; 1000 Genomes Project 0.00020; 1000 Genomes Project 30x 0.00031; gnomAD exomes 0.00010.

Submissions (3):

Labcorp Genetics (formerly Invitae), Labcorp
Classification: Uncertain significance for Atrioventricular septal defect 5. Last evaluated: 2025-06-24. Review status: criteria provided, single submitter. Criteria: Invitae Variant Classification Sherloc (09022015). Collection method: clinical testing. Allele origin: germline.
Comment: This sequence change replaces proline, which is neutral and non-polar, with serine, which is neutral and polar, at codon 87 of the GATA6 protein (p.Pro87Ser). This variant is present in population databases (rs563978220, gnomAD 0.06%), and has an allele count higher than expected for a pathogenic variant. This variant has not been reported in the literature in individuals affected with GATA6-related conditions. ClinVar contains an entry for this variant (Variation ID: 1311036). An algorithm developed to predict the effect of missense changes on protein structure and function (PolyPhen-2) suggests that this variant is likely to be tolerated. In summary, the available evidence is currently insufficient to determine the role of this variant in disease. Therefore, it has been classified as a Variant of Uncertain Significance.

Fulgent Genetics
Classification: Uncertain significance for Tetralogy of Fallot; Conotruncal heart malformations; Heart defects, congenital, and other congenital anomalies; Atrioventricular septal defect 5; Atrial septal defect 9. Last evaluated: 2021-12-22. Review status: criteria provided, single submitter. Criteria: ACMG Guidelines, 2015. Collection method: clinical testing. Allele origin: unknown.

GeneDx
Classification: Uncertain significance. Last evaluated: 2019-12-10. Review status: criteria provided, single submitter. Criteria: GeneDx Variant Classification Process June 2021. Collection method: clinical testing. Allele origin: germline. Affected: yes.
Comment: Has not been previously published as pathogenic or benign to our knowledge; In silico analysis, which includes protein predictors and evolutionary conservation, supports that this variant does not alter protein structure/function

NM_005257.6(GATA6):c.259C>T (p.Pro87Ser)

Gene: GATA6 (GATA binding protein 6; plus strand). Cytogenetic location: 18q11.2.
Variant type: single nucleotide variant.
Coding change: c.259C>T on transcript NM_005257.6 (MANE Select); coding-DNA position 259, C replaced by T.
Protein change: p.Pro87Ser; replaces proline 87 with serine.
Molecular consequence: missense variant.
Genome position (GRCh38, 1-based): chr18:22,171,403, C>T. VCF-style: chr18-22171403-C-T. GRCh37 (hg19) VCF-style: chr18-19751364-C-T.
Other names: short protein forms P87S.
Identifiers: ClinVar variation 1311036 (VCV001311036.10), dbSNP rs563978220, ClinGen allele CA8908856.